The following is an entry in ClinVar:

NM_182894.3(VSX2):c.339_340insACTGTCTCTTATA (p.Pro114fs)

Gene: VSX2 (visual system homeobox 2; plus strand). Cytogenetic location: 14q24.3.
Variant type: Insertion.
Coding change: c.339_340insACTGTCTCTTATA on transcript NM_182894.3 (MANE Select); coding-DNA positions 339 to 340, ACTGTCTCTTATA inserted.
Protein change: p.Pro114fs; shifts the reading frame from proline 114.
Molecular consequence: frameshift variant.
Genome position: GRCh38 VCF-style: chr14-74239900-G-GACTGTCTCTTATA. GRCh37 (hg19) VCF-style: chr14-74706603-G-GACTGTCTCTTATA.
Other names: short protein forms P114fs.
Identifiers: ClinVar variation 5011149 (VCV005011149.1).

ClinVar aggregate classification (germline): Pathogenic (1 of 4 stars; one submission).

Conditions:
Microphthalmia, isolated, with coloboma 3 (MCOPCB3). Also called: MICROPHTHALMIA/COLOBOMA 3; MICROPHTHALMIA, COLOBOMATOUS, 3. Identifiers: Orphanet 98938, MedGen C1864721, MONDO:0012408, OMIM 610092.

Submission:

Myriad Genetics, Inc.
Classification: Pathogenic for Microphthalmia, isolated, with coloboma 3. Last evaluated: 2024-05-14. Review status: criteria provided, single submitter. Criteria: Myriad Autosomal Dominant, Autosomal Recessive and X-Linked Classification Criteria (2023). Collection method: clinical testing. Allele origin: unknown.
Comment: NM_182894.2(VSX2):c.339_340ins13(P114Tfs*17) is expected to be pathogenic in the context of microphthalmia, anophthalmia, and coloboma, VSX2-related. This variant is predicted to lead to an abnormal or absent protein product due to the creation of a premature termination codon in VSX2, a gene where loss-of-function variants are known to be pathogenic. Please note: this variant was assessed in the context of healthy population screening.